The following is an entry in ClinVar:

ClinVar aggregate classification (germline): Benign/Likely benign. Review status: criteria provided, multiple submitters, no conflicts (2 of 4 stars). 7 submissions from 7 submitters: Benign (5); Likely benign (2). Last evaluated 2026-02-04.

Conditions:
Hereditary cancer-predisposing syndrome. Also called: Tumor predisposition; Neoplastic Syndromes, Hereditary; Hereditary Cancer Syndrome; Hereditary neoplastic syndrome. Identifiers: Orphanet 140162, MedGen C0027672, MeSH D009386, MONDO:0015356.
Hereditary nonpolyposis colon cancer (HNPCC). Also called: Hereditary nonpolyposis colorectal cancer; Familial nonpolyposis colon cancer; Hereditary Nonpolyposis Colorectal Cancer Syndrome. Identifiers: Orphanet 443909, MedGen C1333990, MONDO:0018630. Disease mechanism: loss of function.
Hereditary diffuse gastric adenocarcinoma (HDGC). Also called: DIFFUSE GASTRIC AND LOBULAR BREAST CANCER SYNDROME. Identifiers: Orphanet 26106, MedGen C1708349, MONDO:0007648, OMIM 137215.

Allele frequency attached by ClinVar (database versions not stated): ExAC 0.00393; 1000 Genomes Project 0.01058; 1000 Genomes Project 30x 0.01093; gnomAD 0.01185; TOPMed 0.01271; ESP Exome Variant Server 0.01438.
gnomAD v4.1: 3,388 of 1,613,872 alleles (0.21%); highest among the groups gnomAD compares: African/African-American, 4.1%; 60 homozygotes.

Submissions (7):

Labcorp Genetics (formerly Invitae), Labcorp
Classification: Benign. Last evaluated: 2026-02-04. Review status: criteria provided, single submitter. Criteria: Invitae Variant Classification Sherloc (09022015). Collection method: clinical testing. Allele origin: germline.

Center for Genomic Medicine, Rigshospitalet, Copenhagen University Hospital
Classification: Benign. Last evaluated: 2025-03-04. Review status: criteria provided, single submitter. Criteria: ACMG Guidelines, 2015. Collection method: clinical testing. Allele origin: germline.

Myriad Genetics, Inc.
Classification: Benign for Hereditary diffuse gastric adenocarcinoma. Last evaluated: 2024-10-10. Review status: criteria provided, single submitter. Criteria: Myriad Autosomal Dominant, Autosomal Recessive and X-Linked Classification Criteria (2023). Collection method: clinical testing. Allele origin: unknown.
Comment: This variant is considered benign. This variant is a silent/synonymous amino acid change and it is not expected to impact splicing.

Department of Pathology and Laboratory Medicine, Sinai Health System
Classification: Benign for hereditary nonpolyposis colon cancer. Last evaluated: 2023-05-30. Review status: criteria provided, single submitter. Criteria: ACMG Guidelines, 2015. Collection method: clinical testing. Allele origin: germline. Affected: yes.

GeneDx
Classification: Likely benign. Last evaluated: 2021-06-17. Review status: criteria provided, single submitter. Criteria: GeneDx Variant Classification Process June 2021. Collection method: clinical testing. Allele origin: germline. Affected: yes.

Ambry Genetics
Classification: Benign for Hereditary cancer-predisposing syndrome. Last evaluated: 2019-05-09. Review status: criteria provided, single submitter. Criteria: Ambry Variant Classification Scheme 2023. Collection method: clinical testing. Allele origin: germline.

Breakthrough Genomics
Classification: Likely benign. Review status: criteria provided, single submitter. Criteria: ACMG Guidelines, 2015. Collection method: not provided. Allele origin: germline. Inheritance: Autosomal dominant inheritance. Affected: yes.

NM_001903.5(CTNNA1):c.546T>G (p.Pro182=)

Gene: CTNNA1 (catenin alpha 1; plus strand). Cytogenetic location: 5q31.2.
Variant type: single nucleotide variant.
Coding change: c.546T>G on transcript NM_001903.5 (MANE Select); coding-DNA position 546, T replaced by G.
Protein change: p.Pro182=; no amino-acid change (proline 182 retained).
Molecular consequence: synonymous variant.
Genome position (GRCh38, 1-based): chr5:138,812,260, T>G. VCF-style: chr5-138812260-T-G. GRCh37 (hg19) VCF-style: chr5-138147949-T-G.
Other names: c.546T>G, p.Pro182= (NM_001290307.3, NM_001323982.2, NM_001323983.1 and 3 more transcripts); c.237T>G, p.Pro79= (NM_001290309.3); c.177T>G, p.Pro59= (NM_001290310.3).
Identifiers: ClinVar variation 415360 (VCV000415360.22), dbSNP rs28363395, ClinGen allele CA3431476.
Genomic context (GRCh38, chr5:138,812,260, plus strand): 5'-GAAGTTGAGGAATGCTGGCAATGAACAAGACTTAGGAATCCAGTATAAAGCCCTAAAACC[T>G]GAAGTGGATAAGCTGAACATTATGGCAGCCAAAAGACAACAGGTACAGTCATGATTTGGG-3'
Protein context (NP_001894.2, residues 172-192): DLGIQYKALK[Pro182=]EVDKLNIMAA